The following continues an entry in ClinVar:

NM_007294.4(BRCA1):c.5425G>T (p.Val1809Phe)

Gene: BRCA1. ClinVar aggregate classification (germline): Likely pathogenic. Likely pathogenic (1).

Submissions 7 to 9 of 9:

All of Us Research Program, National Institutes of Health
Classification: Likely pathogenic for Breast-ovarian cancer, familial, susceptibility to, 1. Last evaluated: 2023-10-02. Review status: criteria provided, single submitter. Criteria: ACMG Guidelines, 2015. Collection method: clinical testing. Allele origin: germline. Inheritance: Autosomal dominant inheritance. Observed: 1 variant allele, 1 heterozygote. Not counted in ClinVar's aggregate classification.
Comment: This missense variant replaces valine with phenylalanine at codon 1809 of the BRCA1 protein. Computational prediction suggests that this variant may have deleterious impact on protein structure and function (internally defined REVEL score threshold >= 0.7, PMID: 27666373). Functional studies have reported that this variant impacts BRCA1 in homology-directed repair, transcription activation and cisplatin and olaparib sensitivity assays and may compromise protein stability, protein localization, and protein-protein interaction (PMID: 14534301, 15133503, 15689452, 16528612, 19452558, 20516115, 28781887, 32546644, 34083286). This variant has been observed in multiple individuals affected with breast cancer from at least three unrelated families (PMID: 15689452, 18465347, 31300551, 33471991; Leiden Open Variation Database DB-ID BRCA1_000474), including an individual affected with breast and endometrial cancer (PMID: 31300551) and the co-segregation with four affected members of a hereditary breast cancer family (PMID: 15689452). This variant has not been identified in the general population by the Genome Aggregation Database (gnomAD). Based on the available evidence, this variant is classified as Likely Pathogenic.

This study involves interpretation of variants in research participants for the purpose of population health screening. Participant phenotype was not available at the time of variant classification. Additional details can be found in publication PMID: 35346344, PMCID: PMC8962531

GeneDx
Classification: Likely pathogenic. Last evaluated: 2021-10-28. Review status: criteria provided, single submitter. Criteria: GeneDx Variant Classification Process June 2021. Collection method: clinical testing. Allele origin: germline. Affected: yes. Not counted in ClinVar's aggregate classification.
Comment: Published functional studies demonstrate a damaging effect: decreased transcriptional activity, peptide binding activity and specificity (Williams 2004, Phelan 2005, Fernandes 2019, Drikos 2021); Observed in individuals with breast and ovarian cancer, segregating with disease in one family (Phelan 2005, Thomassen 2008, Fostira 2020); In silico analysis supports that this missense variant has a deleterious effect on protein structure/function; In-silico analysis is inconclusive as to whether the variant alters gene splicing. In the absence of RNA/functional studies, the actual effect of this sequence change is unknown.; Not observed in large population cohorts (Lek et al., 2016); Also known as 5544G>T; This variant is associated with the following publications: (PMID: 16528612, 31131967, 15689452, 17305420, 19452558, 21447777, 15172985, 20516115, 14534301, 15133503, 18465347, 15385441, 20167696, 17719744, 28781887, 30765603, 31300551, 32123317, 32546644, 34083286)

Breast Cancer Information Core (BIC) (BRCA1)
Classification: Uncertain significance for Breast-ovarian cancer, familial 1. Last evaluated: 2002-05-29. Review status: no assertion criteria provided. Collection method: clinical testing. Allele origin: germline. Affected: yes. Observed: 5 variant alleles. Not counted in ClinVar's aggregate classification.

Literature cited by the submitters: PubMed 32546644 (cited by 5 submitters); PubMed 30765603 (cited by Center for Genomic Medicine, Rigshospitalet, Copenhagen University Hospital and Ambry Genetics); PubMed 31131967 (cited by Center for Genomic Medicine, Rigshospitalet, Copenhagen University Hospital and Ambry Genetics); PubMed 15689452 (cited by 4 submitters); PubMed 18465347 (cited by 4 submitters); PubMed 20516115 (cited by 4 submitters); PubMed 28781887 (cited by 4 submitters); PubMed 31300551 (cited by 4 submitters); PubMed 34083286 (cited by 4 submitters); PubMed 19452558 (cited by 3 submitters); PubMed 14534301 (cited by Color Diagnostics, LLC DBA Color Health and All of Us Research Program, National Institutes of Health); PubMed 15133503 (cited by Color Diagnostics, LLC DBA Color Health and All of Us Research Program, National Institutes of Health); PubMed 16528612 (cited by Color Diagnostics, LLC DBA Color Health and All of Us Research Program, National Institutes of Health); PubMed 33471991 (cited by Color Diagnostics, LLC DBA Color Health and All of Us Research Program, National Institutes of Health).